The following is an entry in ClinVar:

NM_005862.3(STAG1):c.3691C>T (p.Arg1231Ter)

Gene: STAG1 (STAG1 cohesin complex component; minus strand). Cytogenetic location: 3q22.3.
Variant type: single nucleotide variant.
Coding change: c.3691C>T on transcript NM_005862.3 (MANE Select); coding-DNA position 3691, C replaced by T.
Protein change: p.Arg1231Ter; replaces arginine 1231 with a stop codon.
Molecular consequence: nonsense.
Genome position (GRCh38, 1-based): chr3:136,338,432, G>A on the plus strand (C>T on the coding strand, the complement: STAG1 is on the minus strand). VCF-style: chr3-136338432-G-A. GRCh37 (hg19) VCF-style: chr3-136057274-G-A.
Other names: short protein forms R1231*.
Identifiers: ClinVar variation 1709088 (VCV001709088.2), dbSNP rs2530008022, ClinGen allele CA354651406.
Genomic context (GRCh38, chr3:136,338,432, plus strand): 5'-AATCATCTTCTATGATAGCTGCAGAGTCAAAGAAGTCTGGCCTTAGCTCAGCTCTCTCTC[G>A]CCGATTTCTTGATGGAGGCTGGAAAGAGAAATCGGTTTCTTAATTTTTTTCTGAGATCAT-3'

ClinVar aggregate classification (germline): Likely pathogenic (1 of 4 stars; one submission).

Conditions:
Intellectual developmental disorder, autosomal dominant 47. Also called: Intellectual disability, autosomal dominant 47; MENTAL RETARDATION, AUTOSOMAL DOMINANT 47. Identifiers: Orphanet 502434, MedGen C4539951, MONDO:0030912, OMIM 617635.

Submission:

MGZ Medical Genetics Center
Classification: Likely pathogenic for Intellectual developmental disorder, autosomal dominant 47. Last evaluated: 2022-01-14. Review status: criteria provided, single submitter. Criteria: ACMG Guidelines, 2015. Collection method: clinical testing. Allele origin: germline. Affected: yes. Observed: 1 variant allele.
Comment: ACMG criteria applied: PVS1, PM2_SUP